The following is an entry in ClinVar:

ClinVar aggregate classification (germline): Benign. Review status: criteria provided, multiple submitters, no conflicts (2 of 4 stars). 3 submissions from 3 submitters: Benign (2). 1 of the submissions does not count toward it. Last evaluated 2019-12-31.

Conditions:
UBR4-related disorder. Also called: UBR4-related condition.

Allele frequency attached by ClinVar (database versions not stated): gnomAD exomes 0.00092 and 0.00206; ExAC 0.00233; ESP Exome Variant Server 0.00684; gnomAD 0.00741 and 0.00788; 1000 Genomes Project 0.00839; TOPMed 0.00863; 1000 Genomes Project 30x 0.00890.
gnomAD v4.1: 2,550 of 1,614,102 alleles (0.16%); highest among the groups gnomAD compares: African/African-American, 2.6%; 28 homozygotes.

Submissions (3):

Labcorp Genetics (formerly Invitae), Labcorp
Classification: Benign. Last evaluated: 2019-12-31. Review status: criteria provided, single submitter. Criteria: Invitae Variant Classification Sherloc (09022015). Collection method: clinical testing. Allele origin: germline.

Breakthrough Genomics
Classification: Benign. Review status: criteria provided, single submitter. Criteria: ACMG Guidelines, 2015. Collection method: not provided. Allele origin: germline. Inheritance: Unknown mechanism. Affected: yes.

PreventionGenetics, part of Exact Sciences
Classification: Benign for UBR4-related condition. Last evaluated: 2019-11-26. Review status: no assertion criteria provided. Collection method: clinical testing. Allele origin: germline. Not counted in ClinVar's aggregate classification.
Comment: This variant is classified as benign based on ACMG/AMP sequence variant interpretation guidelines (Richards et al. 2015 PMID: 25741868, with internal and published modifications).

NM_020765.3(UBR4):c.10662G>A (p.Thr3554=)

Gene: UBR4 (ubiquitin protein ligase E3 component n-recognin 4; minus strand). Cytogenetic location: 1p36.13.
Variant type: single nucleotide variant.
Coding change: c.10662G>A on transcript NM_020765.3 (MANE Select); coding-DNA position 10662, G replaced by A.
Protein change: p.Thr3554=; no amino-acid change (threonine 3554 retained).
Molecular consequence: synonymous variant.
Genome position (GRCh38, 1-based): chr1:19,117,382, C>T on the plus strand (G>A on the coding strand, the complement: UBR4 is on the minus strand). VCF-style: chr1-19117382-C-T. GRCh37 (hg19) VCF-style: chr1-19443876-C-T.
Identifiers: ClinVar variation 723871 (VCV000723871.7), dbSNP rs61996287, ClinGen allele CA649128.